The following is an entry in ClinVar:

ClinVar aggregate classification (germline): Conflicting classifications of pathogenicity. Review status: criteria provided, conflicting classifications (1 of 4 stars). 3 submissions from 3 submitters: Uncertain significance (2); Benign (1). Last evaluated 2024-10-15.

Conditions:
Tip-toe gait. Also called: Toe walking. Identifiers: MedGen C0427144, HP:0030051.

Allele frequency attached by ClinVar (database versions not stated): TOPMed 0.00003; gnomAD 0.00004 and 0.00005; gnomAD exomes 0.00006; ESP Exome Variant Server 0.00008.
gnomAD v4.1: 53 of 1,613,884 alleles (0.0033%); highest among the groups gnomAD compares: Middle Eastern, 0.016%; no homozygotes.

Submissions (3):

Labcorp Genetics (formerly Invitae), Labcorp
Classification: Uncertain significance. Last evaluated: 2024-10-15. Review status: criteria provided, single submitter. Criteria: Invitae Variant Classification Sherloc (09022015). Collection method: clinical testing. Allele origin: germline.
Comment: This sequence change replaces arginine, which is basic and polar, with cysteine, which is neutral and slightly polar, at codon 1570 of the SBF1 protein (p.Arg1570Cys). This variant is present in population databases (rs375660466, gnomAD 0.02%). This variant has not been reported in the literature in individuals affected with SBF1-related conditions. ClinVar contains an entry for this variant (Variation ID: 1415856). Invitae Evidence Modeling of protein sequence and biophysical properties (such as structural, functional, and spatial information, amino acid conservation, physicochemical variation, residue mobility, and thermodynamic stability) indicates that this missense variant is expected to disrupt SBF1 protein function with a positive predictive value of 80%. In summary, the available evidence is currently insufficient to determine the role of this variant in disease. Therefore, it has been classified as a Variant of Uncertain Significance.

CeGaT Center for Human Genetics Tuebingen
Classification: Uncertain significance. Last evaluated: 2022-08-01. Review status: criteria provided, single submitter. Criteria: CeGaT Center For Human Genetics Tuebingen Variant Classification Criteria Version 2. Collection method: clinical testing. Allele origin: germline. Affected: yes. Observed: 1 variant allele.

Practice for Gait Abnormalities, David Pomarino, Competency Network Toe Walking C/o Practice Pomarino
Classification: Benign for Tip-toe gait. Last evaluated: 2022-03-14. Review status: criteria provided, single submitter. Criteria: Pomarino et al. (Glob Med Genet. 2023). Collection method: clinical testing. Allele origin: germline. Affected: yes.

NM_002972.4(SBF1):c.4708C>T (p.Arg1570Cys)

Gene: SBF1 (SET binding factor 1; minus strand). Cytogenetic location: 22q13.33.
Variant type: single nucleotide variant.
Coding change: c.4708C>T on transcript NM_002972.4 (MANE Select); coding-DNA position 4708, C replaced by T.
Protein change: p.Arg1570Cys; replaces arginine 1570 with cysteine.
Molecular consequence: missense variant.
Genome position (GRCh38, 1-based): chr22:50,454,918, G>A on the plus strand (C>T on the coding strand, the complement: SBF1 is on the minus strand). VCF-style: chr22-50454918-G-A. GRCh37 (hg19) VCF-style: chr22-50893347-G-A.
Other names: c.4633C>T, p.Arg1545Cys (NM_001365819.1); c.4708C>T (NM_002972.3); short protein forms R1570C, R1545C.
Identifiers: ClinVar variation 1415856 (VCV001415856.35), dbSNP rs375660466, ClinGen allele CA325528025.